The following is an entry in ClinVar:

NM_002857.4(PEX19):c.474G>C (p.Glu158Asp)

Gene: PEX19 (peroxisomal biogenesis factor 19; minus strand). Cytogenetic location: 1q23.2.
Variant type: single nucleotide variant.
Coding change: c.474G>C on transcript NM_002857.4 (MANE Select); coding-DNA position 474, G replaced by C.
Protein change: p.Glu158Asp; replaces glutamic acid 158 with aspartic acid.
Molecular consequence: missense variant. On other transcripts: non-coding transcript variant (2).
Genome position (GRCh38, 1-based): chr1:160,282,159, C>G on the plus strand (G>C on the coding strand, the complement: PEX19 is on the minus strand). VCF-style: chr1-160282159-C-G. GRCh37 (hg19) VCF-style: chr1-160251949-C-G.
Other names: c.474G>C, p.Glu158Asp (NM_001193644.1); c.474G>C (NM_002857.3); short protein forms E158D.
Identifiers: ClinVar variation 2108022 (VCV002108022.4), dbSNP rs751797704, ClinGen allele CA343260487.

ClinVar aggregate classification (germline): Uncertain significance. Review status: criteria provided, multiple submitters, no conflicts (2 of 4 stars). 2 submissions from 2 submitters: Uncertain significance (2). Last evaluated 2024-03-30.

Conditions:
Inborn genetic diseases. Identifiers: MedGen C0950123, MeSH D030342.
Peroxisome biogenesis disorder 12A (Zellweger). Also called: Peroxisome biogenesis disorder 12A. Identifiers: Orphanet 912, MedGen C3554002, MONDO:0013951, OMIM 614886.

Submissions (2):

Ambry Genetics
Classification: Uncertain significance for Inborn genetic diseases. Last evaluated: 2024-03-30. Review status: criteria provided, single submitter. Criteria: Ambry Variant Classification Scheme 2023. Collection method: clinical testing. Allele origin: germline.

Labcorp Genetics (formerly Invitae), Labcorp
Classification: Uncertain significance for Peroxisome biogenesis disorder 12A (Zellweger). Last evaluated: 2022-06-09. Review status: criteria provided, single submitter. Criteria: Invitae Variant Classification Sherloc (09022015). Collection method: clinical testing. Allele origin: germline.
Comment: In summary, the available evidence is currently insufficient to determine the role of this variant in disease. Therefore, it has been classified as a Variant of Uncertain Significance. Algorithms developed to predict the effect of missense changes on protein structure and function (SIFT, PolyPhen-2, Align-GVGD) all suggest that this variant is likely to be tolerated. This variant has not been reported in the literature in individuals affected with PEX19-related conditions. This variant is not present in population databases (gnomAD no frequency). This sequence change replaces glutamic acid, which is acidic and polar, with aspartic acid, which is acidic and polar, at codon 158 of the PEX19 protein (p.Glu158Asp).